The following is an entry in ClinVar:

NM_001384140.1(PCDH15):c.1441-10C>T

Gene: PCDH15 (protocadherin related 15; minus strand). Cytogenetic location: 10q21.1.
Variant type: single nucleotide variant.
Coding change: c.1441-10C>T on transcript NM_001384140.1 (MANE Select); 10 bases into the intron before coding-DNA position 1441, C replaced by T.
Molecular consequence: intron variant.
Genome position (GRCh38, 1-based): chr10:54,183,603, G>A on the plus strand (C>T on the coding strand, the complement: PCDH15 is on the minus strand). VCF-style: chr10-54183603-G-A. GRCh37 (hg19) VCF-style: chr10-55943363-G-A.
Other names: c.1441-10C>T (NM_001354420.2, NM_001354429.2, NM_001142772.2 and 6 more transcripts); c.1456-10C>T (NM_001142771.2, NM_001142763.2); c.1462-10C>T (NM_001354411.2); c.1477-10C>T (NM_001142769.3); c.1375-10C>T (NM_001354404.2, NM_001142773.2, NM_001142768.2); c.1330-10C>T (NM_001142767.2).
Identifiers: ClinVar variation 2972056 (VCV002972056.4), dbSNP rs1462446027, ClinGen allele CA593783186.

ClinVar aggregate classification (germline): Likely benign. Review status: criteria provided, multiple submitters, no conflicts (2 of 4 stars). 2 submissions from 2 submitters: Likely benign (2). Last evaluated 2024-12-09.

Conditions:
PCDH15-related disorder. Also called: PCDH15-related disorders; PCDH15-related condition.

Allele frequency attached by ClinVar (database versions not stated): gnomAD exomes below 0.00001.
gnomAD v4.1: 1 of 1,613,512 alleles (0.000062%); highest among the groups gnomAD compares: Non-Finnish European, 0.000085%; no homozygotes.

Submissions (2):

PreventionGenetics, part of Exact Sciences
Classification: Likely benign for PCDH15-related condition. Last evaluated: 2024-12-09. Review status: criteria provided, single submitter. Criteria: ACMG Guidelines, 2015. Collection method: clinical testing. Allele origin: germline.
Comment: This variant is classified as likely benign based on ACMG/AMP sequence variant interpretation guidelines (Richards et al. 2015 PMID: 25741868, with internal and published modifications).

Labcorp Genetics (formerly Invitae), Labcorp
Classification: Likely benign. Last evaluated: 2023-02-17. Review status: criteria provided, single submitter. Criteria: Invitae Variant Classification Sherloc (09022015). Collection method: clinical testing. Allele origin: germline.